The following is an entry in ClinVar:

NM_014000.2:c.2298_(3258+1_3259-1)dup

Gene: VCL (vinculin; plus strand).
Variant type: Duplication.
Identifiers: ClinVar variation 3895158 (VCV003895158.1).

ClinVar aggregate classification (germline): Likely pathogenic (1 of 4 stars; one submission).

Conditions:
Cardiovascular phenotype. Identifiers: MedGen CN230736.

Submission:

Molecular Diagnostic Laboratory for Inherited Cardiovascular Disease, Montreal Heart Institute
Classification: Likely pathogenic for Cardiovascular phenotype. Last evaluated: 2023-12-22. Review status: criteria provided, single submitter. Criteria: ACMG Guidelines, 2015. Collection method: clinical testing. Allele origin: germline. Affected: yes.
Comment: PVS1, PM2